The following is an entry in ClinVar:

NM_198253.3(TERT):c.1880C>G (p.Pro627Arg)

Gene: TERT (telomerase reverse transcriptase; minus strand). Cytogenetic location: 5p15.33.
Variant type: single nucleotide variant.
Coding change: c.1880C>G on transcript NM_198253.3 (MANE Select); coding-DNA position 1880, C replaced by G.
Protein change: p.Pro627Arg; replaces proline 627 with arginine.
Molecular consequence: missense variant. On other transcripts: non-coding transcript variant (2).
Genome position (GRCh38, 1-based): chr5:1,280,228, G>C on the plus strand (C>G on the coding strand, the complement: TERT is on the minus strand). VCF-style: chr5-1280228-G-C. GRCh37 (hg19) VCF-style: chr5-1280343-G-C.
Other names: c.1880C>G, p.Pro627Arg (NM_001193376.3); short protein forms P627R.
Identifiers: ClinVar variation 539204 (VCV000539204.13), dbSNP rs146439826, ClinGen allele CA112950321.

ClinVar aggregate classification (germline): Uncertain significance. Review status: criteria provided, multiple submitters, no conflicts (2 of 4 stars). 4 submissions from 4 submitters: Uncertain significance (4). Last evaluated 2025-12-03.

Conditions:
Dyskeratosis congenita, autosomal dominant 2. Identifiers: MedGen C3151443, MONDO:0013521, OMIM 613989.
Idiopathic Pulmonary Fibrosis. Also called: Idiopathic fibrosing alveolitis, chronic form; idiopathic fibrosing alveolitis. Identifiers: Orphanet 2032, MedGen C1800706, MeSH D054990, MONDO:0800504.
Dyskeratosis congenita. Identifiers: Orphanet 1775, MedGen C0265965, MONDO:0015780.

Allele frequency attached by ClinVar (database versions not stated): gnomAD 0.00001; gnomAD exomes 0.00001; TOPMed 0.00001; ESP Exome Variant Server 0.00008.
gnomAD v4.1: 10 of 1,613,862 alleles (0.00062%); highest among the groups gnomAD compares: African/African-American, 0.0013%; no homozygotes.

Submissions (4):

Ambry Genetics
Classification: Uncertain significance for Dyskeratosis congenita. Last evaluated: 2025-12-03. Review status: criteria provided, single submitter. Criteria: Ambry Variant Classification Scheme 2023. Collection method: clinical testing. Allele origin: germline.
Comment: The p.P627R variant (also known as c.1880C>G), located in coding exon 4 of the TERT gene, results from a C to G substitution at nucleotide position 1880. The proline at codon 627 is replaced by arginine, an amino acid with dissimilar properties. This amino acid position is conserved. In addition, the in silico prediction for this alteration is inconclusive. Since supporting evidence is limited at this time, the clinical significance of this alteration remains unclear.

Labcorp Genetics (formerly Invitae), Labcorp
Classification: Uncertain significance for Dyskeratosis congenita, autosomal dominant 2; Idiopathic Pulmonary Fibrosis. Last evaluated: 2024-04-01. Review status: criteria provided, single submitter. Criteria: Invitae Variant Classification Sherloc (09022015). Collection method: clinical testing. Allele origin: germline.
Comment: This sequence change replaces proline, which is neutral and non-polar, with arginine, which is basic and polar, at codon 627 of the TERT protein (p.Pro627Arg). This variant is not present in population databases (gnomAD no frequency). This variant has not been reported in the literature in individuals affected with TERT-related conditions. ClinVar contains an entry for this variant (Variation ID: 539204). Advanced modeling of protein sequence and biophysical properties (such as structural, functional, and spatial information, amino acid conservation, physicochemical variation, residue mobility, and thermodynamic stability) has been performed at Invitae for this missense variant, however the output from this modeling did not meet the statistical confidence thresholds required to predict the impact of this variant on TERT protein function. In summary, the available evidence is currently insufficient to determine the role of this variant in disease. Therefore, it has been classified as a Variant of Uncertain Significance.

Baylor Genetics
Classification: Uncertain significance for Dyskeratosis congenita, autosomal dominant 2. Last evaluated: 2023-10-01. Review status: criteria provided, single submitter. Criteria: ACMG Guidelines, 2015. Collection method: clinical testing. Allele origin: unknown.

Blueprint Genetics
Classification: Uncertain significance. Last evaluated: 2021-10-06. Review status: criteria provided, single submitter. Criteria: ACMG Guidelines, 2015. Collection method: clinical testing. Allele origin: germline.